The following is an entry in ClinVar:

NM_000057.4(BLM):c.1221-3C>T

Gene: BLM (BLM RecQ like helicase; plus strand). Cytogenetic location: 15q26.1.
Variant type: single nucleotide variant.
Coding change: c.1221-3C>T on transcript NM_000057.4 (MANE Select); 3 bases into the intron before coding-DNA position 1221, C replaced by T.
Molecular consequence: intron variant.
Genome position (GRCh38, 1-based): chr15:90,760,591, C>T. VCF-style: chr15-90760591-C-T. GRCh37 (hg19) VCF-style: chr15-91303821-C-T.
Other names: c.1221-3C>T (NM_001287246.2, NM_001287247.2); c.96-3C>T (NM_001287248.2).
Identifiers: ClinVar variation 1996080 (VCV001996080.4), dbSNP rs2151157745, ClinGen allele CA645576454.
Genomic context (GRCh38, chr15:90,760,591, plus strand): 5'-CTTTTGTGGCCTACCAGAGTAAACTACTTATATTTAATACGTTGTTCTCTTTTCTCTCTT[C>T]AGAAGGAAACTTCTAACGGAAGTAGATTTTAATAAAAGTGATGCCAGTCTTCTTGGCTCA-3'

ClinVar aggregate classification (germline): Uncertain significance (1 of 4 stars; one submission).

Conditions:
Bloom syndrome (BLM). Also called: Bloom-Torre-Machacek syndrome. Identifiers: Orphanet 125, MedGen C0005859, MONDO:0008876, OMIM 210900.

Submission:

Labcorp Genetics (formerly Invitae), Labcorp
Classification: Uncertain significance for Bloom syndrome. Last evaluated: 2022-05-18. Review status: criteria provided, single submitter. Criteria: Invitae Variant Classification Sherloc (09022015). Collection method: clinical testing. Allele origin: germline.
Comment: This sequence change falls in intron 6 of the BLM gene. It does not directly change the encoded amino acid sequence of the BLM protein. It affects a nucleotide within the consensus splice site. This variant is not present in population databases (gnomAD no frequency). This variant has not been reported in the literature in individuals affected with BLM-related conditions. Variants that disrupt the consensus splice site are a relatively common cause of aberrant splicing (PMID: 17576681, 9536098). Algorithms developed to predict the effect of sequence changes on RNA splicing suggest that this variant is not likely to affect RNA splicing. In summary, the available evidence is currently insufficient to determine the role of this variant in disease. Therefore, it has been classified as a Variant of Uncertain Significance.

Literature cited by the submitters: PubMed 17576681; PubMed 9536098.